The following is an entry in ClinVar:

NM_001378778.1(MPDZ):c.2039C>T (p.Ala680Val)

Gene: MPDZ (multiple PDZ domain crumbs cell polarity complex component; minus strand). Cytogenetic location: 9p23.
Variant type: single nucleotide variant.
Coding change: c.2039C>T on transcript NM_001378778.1 (MANE Select); coding-DNA position 2039, C replaced by T.
Protein change: p.Ala680Val; replaces alanine 680 with valine.
Molecular consequence: missense variant.
Genome position (GRCh38, 1-based): chr9:13,190,229, G>A on the plus strand (C>T on the coding strand, the complement: MPDZ is on the minus strand). VCF-style: chr9-13190229-G-A. GRCh37 (hg19) VCF-style: chr9-13190228-G-A.
Other names: c.2039C>T, p.Ala680Val (NM_001261406.2, NM_001261407.2, NM_001330637.2 and 14 more transcripts); short protein forms A680V.
Identifiers: ClinVar variation 1474177 (VCV001474177.3), dbSNP rs370396750, ClinGen allele CA4987580.

ClinVar aggregate classification (germline): Uncertain significance (1 of 4 stars; one submission).

Allele frequency attached by ClinVar (database versions not stated): gnomAD 0.00006; ESP Exome Variant Server 0.00008.
gnomAD v4.1: 37 of 1,612,118 alleles (0.0023%); highest among the groups gnomAD compares: Middle Eastern, 0.049%; no homozygotes.

Submission:

Labcorp Genetics (formerly Invitae), Labcorp
Classification: Uncertain significance. Last evaluated: 2022-05-25. Review status: criteria provided, single submitter. Criteria: Invitae Variant Classification Sherloc (09022015). Collection method: clinical testing. Allele origin: germline.
Comment: This sequence change replaces alanine, which is neutral and non-polar, with valine, which is neutral and non-polar, at codon 680 of the MPDZ protein (p.Ala680Val). The frequency data for this variant in the population databases is considered unreliable, as metrics indicate poor data quality at this position in the gnomAD database. This variant has not been reported in the literature in individuals affected with MPDZ-related conditions. Algorithms developed to predict the effect of missense changes on protein structure and function output the following: SIFT: "Tolerated"; PolyPhen-2: "Benign"; Align-GVGD: "Class C0". The valine amino acid residue is found in multiple mammalian species, which suggests that this missense change does not adversely affect protein function. Algorithms developed to predict the effect of sequence changes on RNA splicing suggest that this variant may create or strengthen a splice site. In summary, the available evidence is currently insufficient to determine the role of this variant in disease. Therefore, it has been classified as a Variant of Uncertain Significance.